The following is an entry in ClinVar:

ClinVar aggregate classification (germline): Pathogenic (1 of 4 stars; one submission).

Conditions:
Polycystic kidney disease 2 (PKD2). Also called: Polycystic Kidney Disease 2, Autosomal Dominant; POLYCYSTIC KIDNEY DISEASE 2 WITH OR WITHOUT POLYCYSTIC LIVER DISEASE; POLYCYSTIC KIDNEY DISEASE, ADULT, TYPE II. Identifiers: MedGen C2751306, MONDO:0013131, OMIM 613095.

Submission:

MVZ Medizinische Genetik Mainz
Classification: Pathogenic for Polycystic kidney disease 2. Last evaluated: 2026-03-16. Review status: criteria provided, single submitter. Criteria: UK Practice Guidelines For Variant Classification V4 01 2020. Collection method: clinical testing. Allele origin: germline. Inheritance: Autosomal dominant inheritance. Affected: yes. Observed: 1 variant allele.
Comment: ACMG Criteria: PVS1,PM2_SUP,PP4

NM_000297.4(PKD2):c.555_556dup (p.Arg186fs)

Genes: PKD2 (polycystin 2, transient receptor potential cation channel; plus strand), LOC129992813 (ATAC-STARR-seq lymphoblastoid silent region 15559; plus strand). Cytogenetic location: 4q22.1.
Variant type: Duplication.
Coding change: c.555_556dup on transcript NM_000297.4 (MANE Select); coding-DNA positions 555 to 556, 2 bases duplicated (CC; older notation c.555_556dupCC).
Protein change: p.Arg186fs; shifts the reading frame from arginine 186.
Molecular consequence: frameshift variant. On other transcripts: non-coding transcript variant (1).
Genome position (GRCh38, 1-based): chr4:88,008,288-88,008,289, CC duplicated; duplicating any 2 consecutive bases within chr4:88,008,286-88,008,289 gives the same sequence; the c. name uses the placement nearest the transcript's 3' end. VCF-style (leftmost placement, unchanged base first): chr4-88008285-G-GCC. GRCh37 (hg19) VCF-style: chr4-88929437-G-GCC.
Other names: c.555_556dup, p.Arg186fs (NM_001440544.1); short protein forms R186fs.
Identifiers: ClinVar variation 5038074 (VCV005038074.1).